The following is an entry in ClinVar:

NM_007055.4(POLR3A):c.3661_3663del (p.Glu1221del)

Gene: POLR3A (RNA polymerase III subunit A; minus strand). Cytogenetic location: 10q22.3.
Variant type: Deletion.
Coding change: c.3661_3663del on transcript NM_007055.4 (MANE Select); coding-DNA positions 3661 to 3663, 3 bases deleted (GAG; older notation c.3661_3663delGAG).
Protein change: p.Glu1221del; deletes glutamic acid 1221.
Molecular consequence: inframe deletion.
Genome position (GRCh38, 1-based): chr10:77,982,250-77,982,252, CTC deleted on the plus strand (GAG on the coding strand, the reverse complement: POLR3A is on the minus strand); deleting any 3 consecutive bases within chr10:77,982,250-77,982,254 gives the same sequence; the c. name uses the placement nearest the transcript's 3' end. VCF-style (leftmost placement, unchanged base first): chr10-77982249-TCTC-T. GRCh37 (hg19) VCF-style: chr10-79742007-TCTC-T.
Other names: short protein forms E1221del.
Identifiers: ClinVar variation 2077925 (VCV002077925.4), dbSNP rs1423813960, ClinGen allele CA668638037.

ClinVar aggregate classification (germline): Uncertain significance (1 of 4 stars; one submission).

Submission:

Labcorp Genetics (formerly Invitae), Labcorp
Classification: Uncertain significance. Last evaluated: 2022-08-05. Review status: criteria provided, single submitter. Criteria: Invitae Variant Classification Sherloc (09022015). Collection method: clinical testing. Allele origin: germline.
Comment: This variant is not present in population databases (gnomAD no frequency). This variant, c.3661_3663del, results in the deletion of 1 amino acid(s) of the POLR3A protein (p.Glu1221del), but otherwise preserves the integrity of the reading frame. This variant has not been reported in the literature in individuals affected with POLR3A-related conditions. In summary, the available evidence is currently insufficient to determine the role of this variant in disease. Therefore, it has been classified as a Variant of Uncertain Significance. Experimental studies and prediction algorithms are not available or were not evaluated, and the functional significance of this variant is currently unknown.